The following is an entry in ClinVar:

NC_000011.9:g.(?_47364109)_(47374198_?)del

Gene: MYBPC3 (myosin binding protein C3; minus strand). Cytogenetic location: 11p11.2.
Variant type: Deletion.
Identifiers: ClinVar variation 2422690 (VCV002422690.3).

ClinVar aggregate classification (germline): Pathogenic (1 of 4 stars; one submission).

Conditions:
Hypertrophic cardiomyopathy. Also called: HYPERTROPHIC MYOCARDIOPATHY. Identifiers: Orphanet 217569, MedGen C0007194, MeSH D002312, MONDO:0005045, HP:0001639.

Submission:

Labcorp Genetics (formerly Invitae), Labcorp
Classification: Pathogenic for Hypertrophic cardiomyopathy. Last evaluated: 2021-07-04. Review status: criteria provided, single submitter. Criteria: Invitae Variant Classification Sherloc (09022015). Collection method: clinical testing. Allele origin: germline.
Comment: This variant is a gross deletion of the genomic region encompassing exon(s) 1-17 of the MYBPC3 gene, which includes the initiator codon. The 5' end of this event is unknown as it extends beyond the assayed region for this gene and therefore may encompass additional genes. The 3' boundary is likely confined to intron 17 of the MYBPC3 gene. It is expected to result in an absent or disrupted protein product. Loss-of-function variants in MYBPC3 are known to be pathogenic (PMID: 19574547). This variant has not been reported in the literature in individuals with MYBPC3-related conditions. For these reasons, this variant has been classified as Pathogenic.

Literature cited by the submitters: PubMed 19574547.